The following is an entry in ClinVar:

NM_032409.3(PINK1):c.1010G>A (p.Arg337His)

Genes: PINK1 (PTEN induced kinase 1; plus strand), PINK1-AS (PINK1 antisense RNA; minus strand). Cytogenetic location: 1p36.12.
Variant type: single nucleotide variant.
Coding change: c.1010G>A on transcript NM_032409.3 (MANE Select); coding-DNA position 1010, G replaced by A.
Protein change: p.Arg337His; replaces arginine 337 with histidine.
Molecular consequence: missense variant. On other transcripts: non-coding transcript variant (1).
Genome position (GRCh38, 1-based): chr1:20,645,610, G>A. VCF-style: chr1-20645610-G-A. GRCh37 (hg19) VCF-style: chr1-20972103-G-A.
Other names: short protein forms R337H.
Identifiers: ClinVar variation 432830 (VCV000432830.6), dbSNP rs184043309, ClinGen allele CA660664.

ClinVar aggregate classification (germline): Uncertain significance. Review status: criteria provided, multiple submitters, no conflicts (2 of 4 stars). 2 submissions from 2 submitters: Uncertain significance (2). Last evaluated 2021-10-31.

Conditions:
Autosomal recessive early-onset Parkinson disease 6 (PARK6). Also called: PINK1-Related Parkinson Disease; PINK1 Type of Young-Onset Parkinson Disease; PARKINSON DISEASE 6, MODIFIER OF; PARKINSON DISEASE 6, EARLY-ONSET. Identifiers: Orphanet 2828, MedGen C1853833, MONDO:0011613, OMIM 605909.

Allele frequency attached by ClinVar (database versions not stated): TOPMed below 0.00001; gnomAD 0.00001; gnomAD exomes 0.00001 and 0.00002; ExAC 0.00002; 1000 Genomes Project 30x 0.00016; 1000 Genomes Project 0.00020.
gnomAD v4.1: 15 of 1,612,052 alleles (0.00093%); highest among the groups gnomAD compares: East Asian, 0.013%; no homozygotes.

Submissions (2):

Labcorp Genetics (formerly Invitae), Labcorp
Classification: Uncertain significance for Autosomal recessive early-onset Parkinson disease 6. Last evaluated: 2021-10-31. Review status: criteria provided, single submitter. Criteria: Invitae Variant Classification Sherloc (09022015). Collection method: clinical testing. Allele origin: germline.
Comment: This sequence change replaces arginine, which is basic and polar, with histidine, which is basic and polar, at codon 337 of the PINK1 protein (p.Arg337His). This variant is present in population databases (rs184043309, gnomAD 0.01%). This variant has not been reported in the literature in individuals affected with PINK1-related conditions. ClinVar contains an entry for this variant (Variation ID: 432830). Algorithms developed to predict the effect of missense changes on protein structure and function output the following: SIFT: "Tolerated"; PolyPhen-2: "Benign"; Align-GVGD: "Class C0". The histidine amino acid residue is found in multiple mammalian species, which suggests that this missense change does not adversely affect protein function. In summary, the available evidence is currently insufficient to determine the role of this variant in disease. Therefore, it has been classified as a Variant of Uncertain Significance.

GeneDx
Classification: Uncertain significance. Last evaluated: 2020-11-12. Review status: criteria provided, single submitter. Criteria: GeneDx Variant Classification Process June 2021. Collection method: clinical testing. Allele origin: germline. Affected: yes.
Comment: In silico analysis supports that this missense variant has a deleterious effect on protein structure/function; Has not been previously published as pathogenic or benign to our knowledge